The following is an entry in ClinVar:

NM_004656.4(BAP1):c.1280G>T (p.Gly427Val)

Gene: BAP1 (BRCA1 associated deubiquitinase 1; minus strand). Cytogenetic location: 3p21.1.
Variant type: single nucleotide variant.
Coding change: c.1280G>T on transcript NM_004656.4 (MANE Select); coding-DNA position 1280, G replaced by T.
Protein change: p.Gly427Val; replaces glycine 427 with valine.
Molecular consequence: missense variant.
Genome position (GRCh38, 1-based): chr3:52,403,865, C>A on the plus strand (G>T on the coding strand, the complement: BAP1 is on the minus strand). VCF-style: chr3-52403865-C-A. GRCh37 (hg19) VCF-style: chr3-52437881-C-A.
Other names: c.1280G>T (LRG_529t1); short protein forms G427V.
Identifiers: ClinVar variation 412407 (VCV000412407.16), dbSNP rs761183483, ClinGen allele CA2436834.

ClinVar aggregate classification (germline): Uncertain significance. Review status: criteria provided, multiple submitters, no conflicts (2 of 4 stars). 3 submissions from 3 submitters: Uncertain significance (3). Last evaluated 2025-04-20.

Conditions:
BAP1-related tumor predisposition syndrome (TPDS1). Also called: BAP1 tumor predisposition syndrome; Tumor susceptibility linked to germline BAP1 mutations; TUMOR PREDISPOSITION SYNDROME 1; COMMON Syndrome. Identifiers: Orphanet 289539, MedGen C3280492, MONDO:0013692, OMIM 614327.
Hereditary cancer-predisposing syndrome. Also called: Neoplastic Syndromes, Hereditary; Tumor predisposition; Hereditary Cancer Syndrome; Hereditary neoplastic syndrome. Identifiers: Orphanet 140162, MedGen C0027672, MeSH D009386, MONDO:0015356.

Allele frequency attached by ClinVar (database versions not stated): gnomAD exomes 0.00001; ExAC 0.00002.
gnomAD v4.1: 4 of 1,614,066 alleles (0.00025%); highest among the groups gnomAD compares: Non-Finnish European, 0.00034%; no homozygotes.

Submissions (3):

Labcorp Genetics (formerly Invitae), Labcorp
Classification: Uncertain significance for BAP1-related tumor predisposition syndrome. Last evaluated: 2025-04-20. Review status: criteria provided, single submitter. Criteria: Invitae Variant Classification Sherloc (09022015). Collection method: clinical testing. Allele origin: germline.
Comment: This sequence change replaces glycine, which is neutral and non-polar, with valine, which is neutral and non-polar, at codon 427 of the BAP1 protein (p.Gly427Val). This variant is present in population databases (rs761183483, gnomAD 0.002%). This variant has not been reported in the literature in individuals affected with BAP1-related conditions. ClinVar contains an entry for this variant (Variation ID: 412407). Invitae Evidence Modeling of protein sequence and biophysical properties (such as structural, functional, and spatial information, amino acid conservation, physicochemical variation, residue mobility, and thermodynamic stability) indicates that this missense variant is not expected to disrupt BAP1 protein function with a negative predictive value of 80%. In summary, the available evidence is currently insufficient to determine the role of this variant in disease. Therefore, it has been classified as a Variant of Uncertain Significance.

Ambry Genetics
Classification: Uncertain significance for Hereditary cancer-predisposing syndrome. Last evaluated: 2025-01-03. Review status: criteria provided, single submitter. Criteria: Ambry Variant Classification Scheme 2023. Collection method: clinical testing. Allele origin: germline.
Comment: The p.G427V variant (also known as c.1280G>T), located in coding exon 13 of the BAP1 gene, results from a G to T substitution at nucleotide position 1280. The glycine at codon 427 is replaced by valine, an amino acid with dissimilar properties. This amino acid position is not well conserved in available vertebrate species. In addition, this alteration is predicted to be tolerated by in silico analysis. Based on the available evidence, the clinical significance of this variant remains unclear.

Color Diagnostics, LLC DBA Color Health
Classification: Uncertain significance for Hereditary cancer-predisposing syndrome. Last evaluated: 2022-05-16. Review status: criteria provided, single submitter. Criteria: ACMG Guidelines, 2015. Collection method: clinical testing. Allele origin: germline.
Comment: This missense variant replaces glycine with valine at codon 427 of the BAP1 protein. Computational prediction suggests that this variant may not impact protein structure and function (internally defined REVEL score threshold <= 0.5, PMID: 27666373). To our knowledge, functional studies have not been performed for this variant. This variant has not been reported in individuals affected with hereditary cancer in the literature. This variant has been identified in 2/251384 chromosomes in the general population by the Genome Aggregation Database (gnomAD). The available evidence is insufficient to determine the role of this variant in disease conclusively. Therefore, this variant is classified as a Variant of Uncertain Significance.